The following is an entry in ClinVar:

ClinVar aggregate classification (germline): Benign. Review status: criteria provided, multiple submitters, no conflicts (2 of 4 stars). 3 submissions from 3 submitters: Benign (2). 1 of the submissions does not count toward it. Last evaluated 2019-12-31.

Conditions:
CELSR1-related disorder. Also called: CELSR1-related condition.

Allele frequency attached by ClinVar (database versions not stated): gnomAD exomes 0.00185 and 0.00382; ExAC 0.00471; gnomAD 0.01394 and 0.01491; TOPMed 0.01627; 1000 Genomes Project 0.01637; 1000 Genomes Project 30x 0.01780; ESP Exome Variant Server 0.01807.
gnomAD v4.1: 4,933 of 1,612,266 alleles (0.31%); highest among the groups gnomAD compares: African/African-American, 5.1%; 107 homozygotes.

Submissions (3):

Labcorp Genetics (formerly Invitae), Labcorp
Classification: Benign. Last evaluated: 2019-12-31. Review status: criteria provided, single submitter. Criteria: Invitae Variant Classification Sherloc (09022015). Collection method: clinical testing. Allele origin: germline.

Breakthrough Genomics
Classification: Benign. Review status: criteria provided, single submitter. Criteria: ACMG Guidelines, 2015. Collection method: not provided. Allele origin: germline. Inheritance: Autosomal dominant inheritance. Affected: yes.

PreventionGenetics, part of Exact Sciences
Classification: Benign for CELSR1-related condition. Last evaluated: 2020-01-02. Review status: no assertion criteria provided. Collection method: clinical testing. Allele origin: germline. Not counted in ClinVar's aggregate classification.
Comment: This variant is classified as benign based on ACMG/AMP sequence variant interpretation guidelines (Richards et al. 2015 PMID: 25741868, with internal and published modifications).

NM_001378328.1(CELSR1):c.5059+10C>T

Gene: CELSR1 (cadherin EGF LAG seven-pass G-type receptor 1; minus strand). Cytogenetic location: 22q13.31.
Variant type: single nucleotide variant.
Coding change: c.5059+10C>T on transcript NM_001378328.1 (MANE Select); 10 bases into the intron after coding-DNA position 5059, C replaced by T.
Molecular consequence: intron variant.
Genome position (GRCh38, 1-based): chr22:46,409,745, G>A on the plus strand (C>T on the coding strand, the complement: CELSR1 is on the minus strand). VCF-style: chr22-46409745-G-A. GRCh37 (hg19) VCF-style: chr22-46805642-G-A.
Other names: c.5059+10C>T (NM_014246.4).
Identifiers: ClinVar variation 711095 (VCV000711095.7), dbSNP rs59224842, ClinGen allele CA10294407.